The following is an entry in ClinVar:

ClinVar aggregate classification (germline): Uncertain significance (1 of 4 stars; one submission).

Submission:

Labcorp Genetics (formerly Invitae), Labcorp
Classification: Uncertain significance. Last evaluated: 2021-09-08. Review status: criteria provided, single submitter. Criteria: Invitae Variant Classification Sherloc (09022015). Collection method: clinical testing. Allele origin: germline.
Comment: This variant has not been reported in the literature in individuals with SC5D-related conditions. Experimental studies and prediction algorithms are not available or were not evaluated, and the functional significance of this variant is currently unknown. In summary, the available evidence is currently insufficient to determine the role of this variant in disease. Therefore, it has been classified as a Variant of Uncertain Significance. This sequence change creates a premature translational stop signal (p.Gly264*) in the SC5D gene. While this is not anticipated to result in nonsense mediated decay, it is expected to disrupt the last 36 amino acid(s) of the SC5D protein. This variant is not present in population databases (ExAC no frequency).

NM_006918.5(SC5D):c.790G>T (p.Gly264Ter)

Gene: SC5D (sterol-C5-desaturase; plus strand). Cytogenetic location: 11q24.1.
Variant type: single nucleotide variant.
Coding change: c.790G>T on transcript NM_006918.5 (MANE Select); coding-DNA position 790, G replaced by T.
Protein change: p.Gly264Ter; replaces glycine 264 with a stop codon.
Molecular consequence: nonsense.
Genome position (GRCh38, 1-based): chr11:121,307,402, G>T. VCF-style: chr11-121307402-G-T. GRCh37 (hg19) VCF-style: chr11-121178111-G-T.
Other names: c.790G>T, p.Gly264Ter (NM_001024956.3); short protein forms G264*.
Identifiers: ClinVar variation 1360390 (VCV001360390.8), dbSNP rs2134271082, ClinGen allele CA383030788.